The following is an entry in ClinVar:

NM_022132.5(MCCC2):c.1268C>A (p.Ala423Asp)

Gene: MCCC2 (methylcrotonyl-CoA carboxylase subunit 2; plus strand). Cytogenetic location: 5q13.2.
Variant type: single nucleotide variant.
Coding change: c.1268C>A on transcript NM_022132.5 (MANE Select); coding-DNA position 1268, C replaced by A.
Protein change: p.Ala423Asp; replaces alanine 423 with aspartic acid.
Molecular consequence: missense variant.
Genome position (GRCh38, 1-based): chr5:71,649,148, C>A. VCF-style: chr5-71649148-C-A. GRCh37 (hg19) VCF-style: chr5-70944975-C-A.
Other names: c.1154C>A, p.Ala385Asp (NM_001363147.1); short protein forms A423D, A385D.
Identifiers: ClinVar variation 2159280 (VCV002159280.4), dbSNP rs367617209, ClinGen allele CA359997165.

ClinVar aggregate classification (germline): Likely pathogenic (1 of 4 stars; one submission).

Conditions:
3-methylcrotonyl-CoA carboxylase 2 deficiency. Also called: 3 alpha methylcrotonyl-CoA carboxylase 2 deficiency; 3 alpha methylcrotonylglycinuria 2; MCC 2 deficiency; Methylcrotonylglycinuria type 2; METHYLCROTONYLGLYCINURIA, TYPE II. Identifiers: Orphanet 6, MedGen C1859499, MONDO:0008862, OMIM 210210.

Submission:

Labcorp Genetics (formerly Invitae), Labcorp
Classification: Likely pathogenic for 3-methylcrotonyl-CoA carboxylase 2 deficiency. Last evaluated: 2022-08-09. Review status: criteria provided, single submitter. Criteria: Invitae Variant Classification Sherloc (09022015). Collection method: clinical testing. Allele origin: germline.
Comment: This variant is not present in population databases (gnomAD no frequency). This sequence change replaces alanine, which is neutral and non-polar, with aspartic acid, which is acidic and polar, at codon 423 of the MCCC2 protein (p.Ala423Asp). This missense change has been observed in individual(s) with clinical features of 3 methylcrotonyl-CoA carboxylase deficiency (Invitae). In at least one individual the data is consistent with being in trans (on the opposite chromosome) from a pathogenic variant. In summary, the currently available evidence indicates that the variant is pathogenic, but additional data are needed to prove that conclusively. Therefore, this variant has been classified as Likely Pathogenic. Advanced modeling of protein sequence and biophysical properties (such as structural, functional, and spatial information, amino acid conservation, physicochemical variation, residue mobility, and thermodynamic stability) performed at Invitae indicates that this missense variant is expected to disrupt MCCC2 protein function.